The following is an entry in ClinVar:

NM_000179.3(MSH6):c.3276A>C (p.Lys1092Asn)

Gene: MSH6 (mutS homolog 6; plus strand). Cytogenetic location: 2p16.3.
Variant type: single nucleotide variant.
Coding change: c.3276A>C on transcript NM_000179.3 (MANE Select); coding-DNA position 3276, A replaced by C.
Protein change: p.Lys1092Asn; replaces lysine 1092 with asparagine.
Molecular consequence: missense variant.
Genome position (GRCh38, 1-based): chr2:47,803,523, A>C. VCF-style: chr2-47803523-A-C. GRCh37 (hg19) VCF-style: chr2-48030662-A-C.
Other names: c.2886A>C, p.Lys962Asn (NM_001281492.2); c.2370A>C, p.Lys790Asn (NM_001281493.2, NM_001281494.2); short protein forms K1092N, K962N, K790N.
Identifiers: ClinVar variation 654260 (VCV000654260.7), dbSNP rs1572735435, ClinGen allele CA346758280.

ClinVar aggregate classification (germline): Uncertain significance (1 of 4 stars; one submission).

Conditions:
Hereditary nonpolyposis colorectal neoplasms. Identifiers: MedGen C0009405, MeSH D003123.

Submission:

Labcorp Genetics (formerly Invitae), Labcorp
Classification: Uncertain significance for Hereditary nonpolyposis colorectal neoplasms. Last evaluated: 2022-08-16. Review status: criteria provided, single submitter. Criteria: Invitae Variant Classification Sherloc (09022015). Collection method: clinical testing. Allele origin: germline.
Comment: This sequence change replaces lysine, which is basic and polar, with asparagine, which is neutral and polar, at codon 1092 of the MSH6 protein (p.Lys1092Asn). This variant is not present in population databases (gnomAD no frequency). This variant has not been reported in the literature in individuals affected with MSH6-related conditions. ClinVar contains an entry for this variant (Variation ID: 654260). Advanced modeling of protein sequence and biophysical properties (such as structural, functional, and spatial information, amino acid conservation, physicochemical variation, residue mobility, and thermodynamic stability) performed at Invitae indicates that this missense variant is not expected to disrupt MSH6 protein function. In summary, the available evidence is currently insufficient to determine the role of this variant in disease. Therefore, it has been classified as a Variant of Uncertain Significance.